The following is an entry in ClinVar:

ClinVar aggregate classification (germline): Likely benign. Review status: criteria provided, multiple submitters, no conflicts (2 of 4 stars). 2 submissions from 2 submitters: Likely benign (2). Last evaluated 2026-03-01.

Conditions:
CIC-related disorder. Also called: CIC-related condition.

Allele frequency attached by ClinVar (database versions not stated): gnomAD 0.00003; TOPMed 0.00004; ExAC 0.00007; gnomAD exomes 0.00010; ESP Exome Variant Server 0.00015; 1000 Genomes Project 30x 0.00016.
gnomAD v4.1: 144 of 1,614,110 alleles (0.0089%); highest among the groups gnomAD compares: Middle Eastern, 0.066%; no homozygotes.

Submissions (2):

CeGaT Center for Human Genetics Tuebingen
Classification: Likely benign. Last evaluated: 2026-03-01. Review status: criteria provided, single submitter. Criteria: CeGaT Center For Human Genetics Tuebingen Variant Classification Criteria Version 2. Collection method: clinical testing. Allele origin: germline. Affected: yes. Observed: 4 variant alleles.
Comment: CIC: BP4, BP7

PreventionGenetics, part of Exact Sciences
Classification: Likely benign for CIC-related condition. Last evaluated: 2025-07-02. Review status: criteria provided, single submitter. Criteria: ACMG Guidelines, 2015. Collection method: clinical testing. Allele origin: germline.
Comment: This variant is classified as likely benign based on ACMG/AMP sequence variant interpretation guidelines (Richards et al. 2015 PMID: 25741868, with internal and published modifications).

NM_001386298.1(CIC):c.4233C>T (p.Ser1411=)

Gene: CIC (capicua transcriptional repressor; plus strand). Cytogenetic location: 19q13.2.
Variant type: single nucleotide variant.
Coding change: c.4233C>T on transcript NM_001386298.1 (MANE Select); coding-DNA position 4233, C replaced by T.
Protein change: p.Ser1411=; no amino-acid change (serine 1411 retained).
Molecular consequence: synonymous variant.
Genome position (GRCh38, 1-based): chr19:42,290,274, C>T. VCF-style: chr19-42290274-C-T. GRCh37 (hg19) VCF-style: chr19-42794426-C-T.
Other names: c.4233C>T, p.Ser1411= (NM_001304815.2, NM_001379480.1, NM_001379482.1 and 1 more transcripts); c.1506C>T, p.Ser502= (NM_001379484.1, NM_001379485.1, NM_015125.5).
Identifiers: ClinVar variation 3025627 (VCV003025627.23), dbSNP rs144699696, ClinGen allele CA9472023.
Genomic context (GRCh38, chr19:42,290,274, plus strand): 5'-CTCCCTTCCTTTCATGCAGGGCTTTGGTCGGAAGGTGTTTTCACCTGTGATCCGTTCCTC[C>T]TTTACCCACTGCCGCCCCCCACTGGACCCTGAGCCCCCAGGGCCCCCGGATCCTCCTGTA-3'
Protein context (NP_001373227.1, residues 1401-1421): RKVFSPVIRS[Ser1411=]FTHCRPPLDP